The following is an entry in ClinVar:

NM_000132.4(F8):c.5113C>T (p.Gln1705Ter)

Gene: F8 (coagulation factor VIII; minus strand). Cytogenetic location: Xq28.
Variant type: single nucleotide variant.
Coding change: c.5113C>T on transcript NM_000132.4 (MANE Select); coding-DNA position 5113, C replaced by T.
Protein change: p.Gln1705Ter; replaces glutamine 1705 with a stop codon.
Molecular consequence: nonsense.
Genome position (GRCh38, 1-based): chrX:154,928,677, G>A on the plus strand (C>T on the coding strand, the complement: F8 is on the minus strand). VCF-style: chrX-154928677-G-A. GRCh37 (hg19) VCF-style: chrX-154156952-G-A.
Other names: F8, GLU1686TER; E1686*; short protein forms Q1705*.
Identifiers: ClinVar variation 10112 (VCV000010112.2), dbSNP rs137852361, ClinGen allele CA255020.

ClinVar aggregate classification (germline): Pathogenic. Review status: criteria provided, single submitter (1 of 4 stars). 2 submissions from 2 submitters: Pathogenic (1). 1 of the submissions does not count toward it. Last evaluated 2024-07-17.

Conditions:
Hereditary factor VIII deficiency disease (HEMA). Also called: HEMOPHILIA, CLASSIC; AUTOSOMAL HEMOPHILIA A; Hemophilia A; Hemophilia A, congenital; HEM A; Factor 8 deficiency, congenital. Identifiers: Orphanet 98878, MedGen C0019069, MONDO:0010602, OMIM 306700.

Submissions (2):

Myriad Genetics, Inc.
Classification: Pathogenic for Hereditary factor VIII deficiency disease. Last evaluated: 2024-07-17. Review status: criteria provided, single submitter. Criteria: Myriad Autosomal Dominant, Autosomal Recessive and X-Linked Classification Criteria (2023). Collection method: clinical testing. Allele origin: unknown.
Comment: NM_000132.3(F8):c.5113C>T(Q1705*) is expected to be pathogenic in the context of hemophilia A. This variant is predicted to lead to an abnormal or absent protein product due to the creation of a premature termination codon in F8, a gene where loss-of-function variants are known to be pathogenic. Please note: this variant was assessed in the context of healthy population screening.

OMIM
Classification: Pathogenic for HEMOPHILIA A. Last evaluated: 1990-01-01. Review status: no assertion criteria provided. Collection method: literature only. Allele origin: germline. Not counted in ClinVar's aggregate classification.

Literature cited by the submitters: PubMed 2105906 (cited by OMIM).